The following is an entry in ClinVar:

NM_003331.5(TYK2):c.370C>T (p.Arg124Cys)

Gene: TYK2 (tyrosine kinase 2; minus strand). Cytogenetic location: 19p13.2.
Variant type: single nucleotide variant.
Coding change: c.370C>T on transcript NM_003331.5 (MANE Select); coding-DNA position 370, C replaced by T.
Protein change: p.Arg124Cys; replaces arginine 124 with cysteine.
Molecular consequence: missense variant.
Genome position (GRCh38, 1-based): chr19:10,368,150, G>A on the plus strand (C>T on the coding strand, the complement: TYK2 is on the minus strand). VCF-style: chr19-10368150-G-A. GRCh37 (hg19) VCF-style: chr19-10478826-G-A.
Other names: short protein forms R124C.
Identifiers: ClinVar variation 888602 (VCV000888602.9), dbSNP rs757581005, ClinGen allele CA9193755.

ClinVar aggregate classification (germline): Uncertain significance. Review status: criteria provided, multiple submitters, no conflicts (2 of 4 stars). 3 submissions from 3 submitters: Uncertain significance (3). Last evaluated 2023-09-29.

Conditions:
Immunodeficiency 35 (IMD35). Also called: HIES WITH ATYPICAL MYCOBACTERIOSIS, AUTOSOMAL RECESSIVE; HYPER-IgE SYNDROME WITH ATYPICAL MYCOBACTERIOSIS, AUTOSOMAL RECESSIVE; TYK2 DEFICIENCY; Susceptibility to infection due to TYK2 deficiency. Identifiers: Orphanet 331226, MedGen C1969086, MONDO:0012682, OMIM 611521.
Inborn genetic diseases. Identifiers: MedGen C0950123, MeSH D030342.

Allele frequency attached by ClinVar (database versions not stated): gnomAD 0.00001; gnomAD exomes 0.00001; ExAC 0.00002.
gnomAD v4.1: 14 of 1,613,946 alleles (0.00087%); highest among the groups gnomAD compares: Non-Finnish European, 0.0012%; no homozygotes.

Submissions (3):

Labcorp Genetics (formerly Invitae), Labcorp
Classification: Uncertain significance for Immunodeficiency 35. Last evaluated: 2023-09-29. Review status: criteria provided, single submitter. Criteria: Invitae Variant Classification Sherloc (09022015). Collection method: clinical testing. Allele origin: germline.
Comment: This sequence change replaces arginine, which is basic and polar, with cysteine, which is neutral and slightly polar, at codon 124 of the TYK2 protein (p.Arg124Cys). This variant is present in population databases (rs757581005, gnomAD 0.002%). This variant has not been reported in the literature in individuals affected with TYK2-related conditions. ClinVar contains an entry for this variant (Variation ID: 888602). Advanced modeling of protein sequence and biophysical properties (such as structural, functional, and spatial information, amino acid conservation, physicochemical variation, residue mobility, and thermodynamic stability) performed at Invitae indicates that this missense variant is expected to disrupt TYK2 protein function. In summary, the available evidence is currently insufficient to determine the role of this variant in disease. Therefore, it has been classified as a Variant of Uncertain Significance.

Ambry Genetics
Classification: Uncertain significance for Inborn genetic diseases. Last evaluated: 2023-02-23. Review status: criteria provided, single submitter. Criteria: Ambry Variant Classification Scheme 2023. Collection method: clinical testing. Allele origin: germline.

Illumina Laboratory Services, Illumina
Classification: Uncertain significance for Immunodeficiency 35. Last evaluated: 2018-01-13. Review status: criteria provided, single submitter. Criteria: ICSL Variant Classification Criteria 13 December 2019. Collection method: clinical testing. Allele origin: germline.